The following is an entry in ClinVar:

NM_203447.4(DOCK8):c.3234+15C>A

Gene: DOCK8 (dedicator of cytokinesis 8; plus strand). Cytogenetic location: 9p24.3.
Variant type: single nucleotide variant.
Coding change: c.3234+15C>A on transcript NM_203447.4 (MANE Select); 15 bases into the intron after coding-DNA position 3234, C replaced by A.
Molecular consequence: intron variant.
Genome position (GRCh38, 1-based): chr9:399,274, C>A. VCF-style: chr9-399274-C-A. GRCh37 (hg19) VCF-style: chr9-399274-C-A.
Other names: c.3030+15C>A (NM_001193536.2); c.2934+15C>A (NM_001190458.2).
Identifiers: ClinVar variation 378889 (VCV000378889.12), dbSNP rs79462548, ClinGen allele CA4958578.

ClinVar aggregate classification (germline): Benign. Review status: criteria provided, multiple submitters, no conflicts (2 of 4 stars). 4 submissions from 4 submitters: Benign (4). Last evaluated 2026-02-02.

Conditions:
Combined immunodeficiency due to DOCK8 deficiency (HIES2). Also called: HYPER-IgE SYNDROME 2, AUTOSOMAL RECESSIVE, WITH RECURRENT INFECTIONS; DOCK8 Deficiency; Hyper-IgE recurrent infection syndrome, autosomal recessive; HIES autosomal recessive; HYPER-IgE RECURRENT INFECTION SYNDROME 2, AUTOSOMAL RECESSIVE. Identifiers: Orphanet 217390, MedGen C4722305, MONDO:0009478, OMIM 243700.

Allele frequency attached by ClinVar (database versions not stated): 1000 Genomes Project 0.02536.

Submissions (4):

Labcorp Genetics (formerly Invitae), Labcorp
Classification: Benign for Combined immunodeficiency due to DOCK8 deficiency. Last evaluated: 2026-02-02. Review status: criteria provided, single submitter. Criteria: Invitae Variant Classification Sherloc (09022015). Collection method: clinical testing. Allele origin: germline.

Women's Health and Genetics/Laboratory Corporation of America, LabCorp
Classification: Benign. Last evaluated: 2026-01-21. Review status: criteria provided, single submitter. Criteria: LabCorp Variant Classification Summary - May 2015. Collection method: clinical testing. Allele origin: germline.

GeneDx
Classification: Benign. Last evaluated: 2015-12-04. Review status: criteria provided, single submitter. Criteria: GeneDx Variant Classification (06012015). Collection method: clinical testing. Allele origin: germline. Affected: yes.
Comment: This variant is considered likely benign or benign based on one or more of the following criteria: it is a conservative change, it occurs at a poorly conserved position in the protein, it is predicted to be benign by multiple in silico algorithms, and/or has population frequency not consistent with disease.

Breakthrough Genomics
Classification: Benign. Review status: criteria provided, single submitter. Criteria: ACMG Guidelines, 2015. Collection method: not provided. Allele origin: germline. Inheritance: Autosomal recessive inheritance. Affected: yes.